The following is an entry in ClinVar:

NM_177402.5(SYT2):c.421G>A (p.Gly141Ser)

Gene: SYT2 (synaptotagmin 2; minus strand). Cytogenetic location: 1q32.1.
Variant type: single nucleotide variant.
Coding change: c.421G>A on transcript NM_177402.5 (MANE Select); coding-DNA position 421, G replaced by A.
Protein change: p.Gly141Ser; replaces glycine 141 with serine.
Molecular consequence: missense variant.
Genome position (GRCh38, 1-based): chr1:202,603,043, C>T on the plus strand (G>A on the coding strand, the complement: SYT2 is on the minus strand). VCF-style: chr1-202603043-C-T. GRCh37 (hg19) VCF-style: chr1-202572171-C-T.
Other names: c.421G>A, p.Gly141Ser (NM_001136504.1); short protein forms G141S.
Identifiers: ClinVar variation 1501714 (VCV001501714.6), dbSNP rs1403639384, ClinGen allele CA344258701.

ClinVar aggregate classification (germline): Uncertain significance (1 of 4 stars; one submission).

Allele frequency attached by ClinVar (database versions not stated): gnomAD exomes below 0.00001; gnomAD 0.00001.
gnomAD v4.1: 3 of 1,613,860 alleles (0.00019%); highest among the groups gnomAD compares: Non-Finnish European, 0.00025%; no homozygotes.

Submission:

Labcorp Genetics (formerly Invitae), Labcorp
Classification: Uncertain significance. Last evaluated: 2022-08-31. Review status: criteria provided, single submitter. Criteria: Invitae Variant Classification Sherloc (09022015). Collection method: clinical testing. Allele origin: germline.
Comment: In summary, the available evidence is currently insufficient to determine the role of this variant in disease. Therefore, it has been classified as a Variant of Uncertain Significance. This sequence change replaces glycine, which is neutral and non-polar, with serine, which is neutral and polar, at codon 141 of the SYT2 protein (p.Gly141Ser). This variant is present in population databases (no rsID available, gnomAD 0.007%). This variant has not been reported in the literature in individuals affected with SYT2-related conditions. ClinVar contains an entry for this variant (Variation ID: 1501714). Algorithms developed to predict the effect of missense changes on protein structure and function are either unavailable or do not agree on the potential impact of this missense change (SIFT: "Deleterious"; PolyPhen-2: "Probably Damaging"; Align-GVGD: "Class C0").